The following is an entry in ClinVar:

NM_153252.5(BRWD3):c.2669A>C (p.Asn890Thr)

Gene: BRWD3 (bromodomain and WD repeat domain containing 3; minus strand). Cytogenetic location: Xq21.1.
Variant type: single nucleotide variant.
Coding change: c.2669A>C on transcript NM_153252.5 (MANE Select); coding-DNA position 2669, A replaced by C.
Protein change: p.Asn890Thr; replaces asparagine 890 with threonine.
Molecular consequence: missense variant.
Genome position (GRCh38, 1-based): chrX:80,704,730, T>G on the plus strand (A>C on the coding strand, the complement: BRWD3 is on the minus strand). VCF-style: chrX-80704730-T-G. GRCh37 (hg19) VCF-style: chrX-79960229-T-G.
Other names: short protein forms N890T.
Identifiers: ClinVar variation 3371821 (VCV003371821.1).

ClinVar aggregate classification (germline): Uncertain significance (1 of 4 stars; one submission).

Submission:

GeneDx
Classification: Uncertain significance. Last evaluated: 2024-04-03. Review status: criteria provided, single submitter. Criteria: GeneDx Variant Classification Process June 2021. Collection method: clinical testing. Allele origin: germline. Affected: yes.
Comment: Not observed at significant frequency in large population cohorts (gnomAD); In silico analysis supports that this missense variant does not alter protein structure/function; Has not been previously published as pathogenic or benign to our knowledge